The following is an entry in ClinVar:

ClinVar aggregate classification (germline): Likely pathogenic (1 of 4 stars; one submission).

Allele frequency attached by ClinVar (database versions not stated): gnomAD exomes below 0.00001.
gnomAD v4.1: 1 of 1,590,224 alleles (0.000063%); highest among the groups gnomAD compares: South Asian, 0.0011%; no homozygotes.

Submission:

Labcorp Genetics (formerly Invitae), Labcorp
Classification: Likely pathogenic. Last evaluated: 2022-05-13. Review status: criteria provided, single submitter. Criteria: Invitae Variant Classification Sherloc (09022015). Collection method: clinical testing. Allele origin: germline.
Comment: This sequence change affects an acceptor splice site in intron 29 of the COL9A1 gene. It is expected to disrupt RNA splicing. Variants that disrupt the donor or acceptor splice site typically lead to a loss of protein function (PMID: 16199547), and loss-of-function variants in COL9A1 are known to be pathogenic (PMID: 16909383, 21421862). This variant is not present in population databases (gnomAD no frequency). In summary, the currently available evidence indicates that the variant is pathogenic, but additional data are needed to prove that conclusively. Therefore, this variant has been classified as Likely Pathogenic. Algorithms developed to predict the effect of sequence changes on RNA splicing suggest that this variant may disrupt the consensus splice site. This variant has not been reported in the literature in individuals affected with COL9A1-related conditions.

Literature cited by the submitters: PubMed 16199547; PubMed 16909383; PubMed 21421862.

NM_001851.6(COL9A1):c.1927-1G>A

Gene: COL9A1 (collagen type IX alpha 1 chain; minus strand). Cytogenetic location: 6q13.
Variant type: single nucleotide variant.
Coding change: c.1927-1G>A on transcript NM_001851.6 (MANE Select); the canonical splice acceptor site of the intron before coding-DNA position 1927, G replaced by A.
Molecular consequence: splice acceptor variant.
Genome position (GRCh38, 1-based): chr6:70,242,036, C>T on the plus strand (G>A on the coding strand, the complement: COL9A1 is on the minus strand). VCF-style: chr6-70242036-C-T. GRCh37 (hg19) VCF-style: chr6-70951739-C-T.
Other names: c.1198-1G>A (NM_001377290.1, NM_078485.4); c.1228-1G>A (NM_001377289.1).
Identifiers: ClinVar variation 1994059 (VCV001994059.4), dbSNP rs2483242918, ClinGen allele CA364675780.